The following is an entry in ClinVar:

ClinVar aggregate classification (germline): Likely pathogenic (1 of 4 stars; one submission).

Conditions:
Developmental and epileptic encephalopathy, 56. Also called: EPILEPTIC ENCEPHALOPATHY, EARLY INFANTILE, 56. Identifiers: MedGen C4540034, MONDO:0033365, OMIM 617665.

Submission:

Women's Health and Genetics/Laboratory Corporation of America, LabCorp
Classification: Likely pathogenic for Developmental and epileptic encephalopathy, 56. Last evaluated: 2024-06-20. Review status: criteria provided, single submitter. Criteria: LabCorp Variant Classification Summary - May 2015. Collection method: clinical testing. Allele origin: germline.
Comment: Variant summary: The variant involves the deletion of exons 1-2 in the YWHAG gene. A presumed nomenclature of c.(?_-184)_(*2779_?)del has been designated for the purposes of this classification. This deletion includes the entire coding sequence of the gene. As the exact proximal and distal breakpoints are unknown, it may extend beyond the annotated region of the gene to include other flanking genes. Isolated deletion of the YWHAG gene was not found in control chromosomes (gnomAD), however a large deletion (size: 896,339 bp) which includes the YWHAG gene together with multiple other flanking genes was found at a frequency of 1.5e-05 in 462883 control chromosomes (i.e. 7 alleles) in the gnomAD database (CNVs v4.1 dataset; zygosity not specified in this dataset). To our knowledge, isolated deletion of the YWHAG gene was not reported in individuals affected with Developmental and Epileptic Encephalopathy, 56. Larger deletions which included this gene, have been reported in affected individuals, however reduced penetrance and phenotypic variability was noted (PMID: 21109226, 35481155). In addition, several truncating variants were identified in affected individuals, who had generally milder phenotypes than affected individuals carrying missense variants, suggesting that YWHAG haploinsufficiency might be less detrimental (PMIDs 33767733, 38491959). ClinVar contains an entry for this variant (Variation ID: 831245). Based on the evidence outlined above, the variant was classified as likely pathogenic.

NC_000007.13:g.(?_75956115)_(75988309_?)del

Gene: YWHAG (tyrosine 3-monooxygenase/tryptophan 5-monooxygenase activation protein gamma; minus strand). Cytogenetic location: 7q11.23.
Variant type: Deletion.
Identifiers: ClinVar variation 3339914 (VCV003339914.1).